The following is an entry in ClinVar:

ClinVar aggregate classification (germline): Conflicting classifications of pathogenicity. Review status: criteria provided, conflicting classifications (1 of 4 stars). 4 submissions from 4 submitters: Uncertain significance (3); Likely benign (1). Last evaluated 2026-01-12.

Conditions:
Agammaglobulinemia 2, autosomal recessive (AGM2). Also called: AGAMMAGLOBULINEMIA, AUTOSOMAL RECESSIVE, DUE TO IGLL1 DEFECT. Identifiers: MedGen C3150750, MONDO:0013287, OMIM 613500.

Allele frequency attached by ClinVar (database versions not stated): gnomAD exomes 0.00069 and 0.00078; gnomAD 0.00104 and 0.00106; TOPMed 0.00110; 1000 Genomes Project 0.00040; ESP Exome Variant Server 0.00054; ExAC 0.00055; 1000 Genomes Project 30x 0.00062.
gnomAD v4.1: 1,301 of 1,613,876 alleles (0.081%); highest among the groups gnomAD compares: Admixed American, 0.25%; 1 homozygote.

Submissions (4):

Labcorp Genetics (formerly Invitae), Labcorp
Classification: Uncertain significance for Agammaglobulinemia 2, autosomal recessive. Last evaluated: 2026-01-12. Review status: criteria provided, single submitter. Criteria: Invitae Variant Classification Sherloc (09022015). Collection method: clinical testing. Allele origin: germline.
Comment: This sequence change replaces threonine, which is neutral and polar, with serine, which is neutral and polar, at codon 206 of the IGLL1 protein (p.Thr206Ser). The frequency data for this variant in the population databases is considered unreliable, as metrics indicate poor data quality at this position in the gnomAD database. This variant has not been reported in the literature in individuals affected with IGLL1-related conditions. ClinVar contains an entry for this variant (Variation ID: 439824). An algorithm developed to predict the effect of missense changes on protein structure and function (PolyPhen-2) suggests that this variant is likely to be tolerated. In summary, the available evidence is currently insufficient to determine the role of this variant in disease. Therefore, it has been classified as a Variant of Uncertain Significance.

Blueprint Genetics
Classification: Uncertain significance. Last evaluated: 2024-11-05. Review status: criteria provided, single submitter. Criteria: ACMG Guidelines, 2015. Collection method: clinical testing. Allele origin: germline.

ARUP Laboratories, Molecular Genetics and Genomics, ARUP Laboratories
Classification: Likely benign for Agammaglobulinemia 2, autosomal recessive. Last evaluated: 2023-08-24. Review status: criteria provided, single submitter. Criteria: ARUP Molecular Germline Variant Investigation Process 2024. Collection method: clinical testing. Allele origin: germline.

New York Genome Center
Classification: Uncertain significance for Agammaglobulinemia 2, autosomal recessive. Last evaluated: 2020-07-09. Review status: criteria provided, single submitter. Criteria: NYGC Assertion Criteria 2020. Collection method: clinical testing. Allele origin: germline. Observed: 1 homozygote. Study: CSER-NYCKidSeq.

NM_020070.4(IGLL1):c.616A>T (p.Thr206Ser)

Gene: IGLL1 (immunoglobulin lambda like polypeptide 1; minus strand). Cytogenetic location: 22q11.23.
Variant type: single nucleotide variant.
Coding change: c.616A>T on transcript NM_020070.4 (MANE Select); coding-DNA position 616, A replaced by T.
Protein change: p.Thr206Ser; replaces threonine 206 with serine.
Molecular consequence: missense variant. On other transcripts: 3 prime UTR variant (1).
Genome position (GRCh38, 1-based): chr22:23,573,292, T>A on the plus strand (A>T on the coding strand, the complement: IGLL1 is on the minus strand). VCF-style: chr22-23573292-T-A. GRCh37 (hg19) VCF-style: chr22-23915479-T-A.
Other names: c.619A>T, p.Thr207Ser (NM_001369906.1); c.*245A>T (NM_152855.3); short protein forms T206S, T207S.
Identifiers: ClinVar variation 439824 (VCV000439824.19), dbSNP rs139491925, ClinGen allele CA10143206.
Genomic context (GRCh38, chr22:23,573,292, plus strand): 5'-CCAGGCCCCTTTGGGTGGGGTCGGGGCTGGGAACCTATGAACATTCTGCAGGGGCCACCG[T>A]CTTCTCCACGGTGCTCCCTTCGTGCATGACCTGGCAGCTGTAGCTTCTGCGGGACCTCCA-3'
Protein context (NP_064455.1, residues 196-213): VMHEGSTVEK[Thr206Ser]VAPAECS